The following is an entry in ClinVar:

NM_024753.5(TTC21B):c.2168G>C (p.Arg723Pro)

Gene: TTC21B (tetratricopeptide repeat domain 21B; minus strand). Cytogenetic location: 2q24.3.
Variant type: single nucleotide variant.
Coding change: c.2168G>C on transcript NM_024753.5 (MANE Select); coding-DNA position 2168, G replaced by C.
Protein change: p.Arg723Pro; replaces arginine 723 with proline.
Molecular consequence: missense variant.
Genome position (GRCh38, 1-based): chr2:165,913,617, C>G on the plus strand (G>C on the coding strand, the complement: TTC21B is on the minus strand). VCF-style: chr2-165913617-C-G. GRCh37 (hg19) VCF-style: chr2-166770127-C-G.
Other names: short protein forms R723P.
Identifiers: ClinVar variation 5001464 (VCV005001464.1).
Genomic context (GRCh38, chr2:165,913,617, plus strand): 5'-AACATCAGAAATTTTACCTCTAGAATATTCATGTATGCATCACCAAGGAGAAGAAAAGAC[C>G]GAGGGTTAGCCATTCTTTCAGCAATTTCTCTGGAAATCAGACCAACATTACTTAGCATAT-3'
Protein context (NP_079029.3, residues 713-733): REIAERMANP[Arg723Pro]SFLLLGDAYM

ClinVar aggregate classification (germline): Uncertain significance (1 of 4 stars; one submission).

Conditions:
TTC21B-related disorder. Also called: TTC21B-related disorders; TTC21B-related condition.

Submission:

PreventionGenetics, part of Exact Sciences
Classification: Uncertain significance for TTC21B-related condition. Last evaluated: 2024-10-29. Review status: criteria provided, single submitter. Criteria: ACMG Guidelines, 2015. Collection method: clinical testing. Allele origin: germline.
Comment: The TTC21B c.2168G>C variant is predicted to result in the amino acid substitution p.Arg723Pro. To our knowledge, this variant has not been reported in the literature or in a large population database (gnomAD), indicating this variant is rare. At this time, the clinical significance of this variant is uncertain due to the absence of conclusive functional and genetic evidence.